The following is an entry in ClinVar:

NM_020338.4(ZMIZ1):c.700A>T (p.Ile234Phe)

Gene: ZMIZ1 (zinc finger MIZ-type containing 1; plus strand). Cytogenetic location: 10q22.3.
Variant type: single nucleotide variant.
Coding change: c.700A>T on transcript NM_020338.4 (MANE Select); coding-DNA position 700, A replaced by T.
Protein change: p.Ile234Phe; replaces isoleucine 234 with phenylalanine.
Molecular consequence: missense variant.
Genome position (GRCh38, 1-based): chr10:79,291,118, A>T. VCF-style: chr10-79291118-A-T. GRCh37 (hg19) VCF-style: chr10-81050875-A-T.
Other names: short protein forms I234F.
Identifiers: ClinVar variation 4076343 (VCV004076343.1).
Genomic context (GRCh38, chr10:79,291,118, plus strand): 5'-CCACAGTTTGCGGGGCAGCAGCAGCAGTTCTCAGCCAAGGCTGGCCCCGCTCAGCCCTAC[A>T]TCCAGCAGAGCATGTATGGCCGGCCCAACTACCCCGGCAGCGGGGGCTTTGGGGCCAGGT-3'
Protein context (NP_065071.1, residues 224-244): SAKAGPAQPY[Ile234Phe]QQSMYGRPNY

ClinVar aggregate classification (germline): Uncertain significance (1 of 4 stars; one submission).

Conditions:
Neurodevelopmental disorder with dysmorphic facies and distal skeletal anomalies. Identifiers: MedGen C5231448, MONDO:0032855, OMIM 618659.

Submission:

Laboratorio de Genetica e Diagnostico Molecular, Hospital Israelita Albert Einstein
Classification: Uncertain significance for Neurodevelopmental disorder with dysmorphic facies and distal skeletal anomalies. Last evaluated: 2023-04-13. Review status: criteria provided, single submitter. Criteria: ACMG Guidelines, 2015. Collection method: clinical testing. Allele origin: germline. Affected: yes.
Comment: ACMG classification criteria: PM2 moderate, BP4 supporting